The following is an entry in ClinVar:

NM_022464.5(SIL1):c.485G>A (p.Arg162His)

Gene: SIL1 (SIL1 nucleotide exchange factor; minus strand). Cytogenetic location: 5q31.2.
Variant type: single nucleotide variant.
Coding change: c.485G>A on transcript NM_022464.5 (MANE Select); coding-DNA position 485, G replaced by A.
Protein change: p.Arg162His; replaces arginine 162 with histidine.
Molecular consequence: missense variant.
Genome position (GRCh38, 1-based): chr5:139,026,961, C>T on the plus strand (G>A on the coding strand, the complement: SIL1 is on the minus strand). VCF-style: chr5-139026961-C-T. GRCh37 (hg19) VCF-style: chr5-138362650-C-T.
Other names: c.485G>A, p.Arg162His (NM_001037633.2); short protein forms R162H.
Identifiers: ClinVar variation 1307555 (VCV001307555.3), dbSNP rs138300781, ClinGen allele CA3432556.
Genomic context (GRCh38, chr5:139,026,961, plus strand): 5'-ATGTCAGTCTCAATGACAACATTCAGCTCATCAAAGTCTTTCTTCAGTTCCTCAATGGGG[C>T]GGAAGAGCCGCTTTACCTCAGCCTGCCTTGCCTAAGGAGAGCAGCAAAGAGGTGATTAAA-3'
Protein context (NP_071909.1, residues 152-172): ARQAEVKRLF[Arg162His]PIEELKKDFD

ClinVar aggregate classification (germline): Uncertain significance. Review status: criteria provided, multiple submitters, no conflicts (2 of 4 stars). 2 submissions from 2 submitters: Uncertain significance (2). Last evaluated 2025-08-09.

Conditions:
Inborn genetic diseases. Identifiers: MedGen C0950123, MeSH D030342.

Allele frequency attached by ClinVar (database versions not stated): ESP Exome Variant Server 0.00015; gnomAD 0.00002; TOPMed 0.00003; gnomAD exomes 0.00006; ExAC 0.00009.
gnomAD v4.1: 37 of 1,614,030 alleles (0.0023%); highest among the groups gnomAD compares: Non-Finnish European, 0.0015%; no homozygotes.

Submissions (2):

Ambry Genetics
Classification: Uncertain significance for Inborn genetic diseases. Last evaluated: 2025-08-09. Review status: criteria provided, single submitter. Criteria: Ambry Variant Classification Scheme 2023. Collection method: clinical testing. Allele origin: germline.

GeneDx
Classification: Uncertain significance. Last evaluated: 2019-08-05. Review status: criteria provided, single submitter. Criteria: GeneDx Variant Classification Process June 2021. Collection method: clinical testing. Allele origin: germline. Affected: yes.
Comment: In silico analysis, which includes protein predictors and evolutionary conservation, supports a deleterious effect; Has not been previously published as pathogenic or benign to our knowledge